The following is an entry in ClinVar:

NM_032444.4(SLX4):c.2053G>A (p.Val685Ile)

Gene: SLX4 (SLX4 structure-specific endonuclease subunit; minus strand). Cytogenetic location: 16p13.3.
Variant type: single nucleotide variant.
Coding change: c.2053G>A on transcript NM_032444.4 (MANE Select); coding-DNA position 2053, G replaced by A.
Protein change: p.Val685Ile; replaces valine 685 with isoleucine.
Molecular consequence: missense variant.
Genome position (GRCh38, 1-based): chr16:3,594,560, C>T on the plus strand (G>A on the coding strand, the complement: SLX4 is on the minus strand). VCF-style: chr16-3594560-C-T. GRCh37 (hg19) VCF-style: chr16-3644561-C-T.
Other names: c.2053G>A (NM_032444.2); short protein forms V685I.
Identifiers: ClinVar variation 1421976 (VCV001421976.5), dbSNP rs371002922, ClinGen allele CA7866304.

ClinVar aggregate classification (germline): Uncertain significance. Review status: criteria provided, multiple submitters, no conflicts (2 of 4 stars). 2 submissions from 2 submitters: Uncertain significance (2). Last evaluated 2025-09-30.

Conditions:
Fanconi anemia (FA). Also called: Fanconi's anemia. Identifiers: Orphanet 84, MedGen C0015625, MeSH D005199, MONDO:0019391.

Allele frequency attached by ClinVar (database versions not stated): gnomAD exomes 0.00001 and 0.00002; ExAC 0.00002; TOPMed 0.00009; gnomAD 0.00010 and 0.00011; ESP Exome Variant Server 0.00015.
gnomAD v4.1: 23 of 1,613,958 alleles (0.0014%); highest among the groups gnomAD compares: African/African-American, 0.028%; no homozygotes.

Submissions (2):

Labcorp Genetics (formerly Invitae), Labcorp
Classification: Uncertain significance for Fanconi anemia. Last evaluated: 2025-09-30. Review status: criteria provided, single submitter. Criteria: Invitae Variant Classification Sherloc (09022015). Collection method: clinical testing. Allele origin: germline.
Comment: This sequence change replaces valine, which is neutral and non-polar, with isoleucine, which is neutral and non-polar, at codon 685 of the SLX4 protein (p.Val685Ile). This variant is present in population databases (rs371002922, gnomAD 0.03%). This variant has not been reported in the literature in individuals affected with SLX4-related conditions. ClinVar contains an entry for this variant (Variation ID: 1421976). An algorithm developed to predict the effect of missense changes on protein structure and function (PolyPhen-2) suggests that this variant is likely to be disruptive. In summary, the available evidence is currently insufficient to determine the role of this variant in disease. Therefore, it has been classified as a Variant of Uncertain Significance.

GeneDx
Classification: Uncertain significance. Last evaluated: 2024-05-01. Review status: criteria provided, single submitter. Criteria: GeneDx Variant Classification Process June 2021. Collection method: clinical testing. Allele origin: germline. Affected: yes.
Comment: In silico analysis indicates that this missense variant does not alter protein structure/function; Has not been previously published as pathogenic or benign to our knowledge